The following is an entry in ClinVar:

NM_020365.5(EIF2B3):c.503T>C (p.Leu168Pro)

Gene: EIF2B3 (eukaryotic translation initiation factor 2B subunit gamma; minus strand). Cytogenetic location: 1p34.1.
Variant type: single nucleotide variant.
Coding change: c.503T>C on transcript NM_020365.5 (MANE Select); coding-DNA position 503, T replaced by C.
Protein change: p.Leu168Pro; replaces leucine 168 with proline.
Molecular consequence: missense variant.
Genome position (GRCh38, 1-based): chr1:44,926,691, A>G on the plus strand (T>C on the coding strand, the complement: EIF2B3 is on the minus strand). VCF-style: chr1-44926691-A-G. GRCh37 (hg19) VCF-style: chr1-45392363-A-G.
Other names: c.503T>C, p.Leu168Pro (NM_001166588.3, NM_001261418.2); short protein forms L168P.
Identifiers: ClinVar variation 972716 (VCV000972716.3), dbSNP rs1643855445, ClinGen allele CA340104407.
Genomic context (GRCh38, chr1:44,926,691, plus strand): 5'-TGTAGGATGGATCCCTTAATGACCAGCTCTTCATCCAAGTCTGCTTCATTAGCCATGAAG[A>G]GCAGCCTCTTTCCTGTGCTGTCCACTCCAATGAAGTCACGCTGCTCCACTGAATCATACA-3'
Protein context (NP_065098.1, residues 158-178): IGVDSTGKRL[Leu168Pro]FMANEADLDE

ClinVar aggregate classification (germline): Likely pathogenic (1 of 4 stars; one submission).

Conditions:
Vanishing white matter disease. Also called: CACH syndrome; Childhood ataxia with diffuse central nervous system hypomyelination; Leukoencephalopathy with vanishing white matter; CACH/VWM syndrome; Cree leukoencehalopathy. Identifiers: Orphanet 135, Orphanet 99853, MedGen C1858991, MONDO:0800448.

Submission:

Diagnostic Genetics, Severance Hospital, Yonsei University College of Medicine
Classification: Likely pathogenic for Leukoencephalopathy with vanishing white matter 1. Last evaluated: 2020-06-04. Review status: criteria provided, single submitter. Criteria: ACMG Guidelines, 2015. Collection method: clinical testing. Allele origin: inherited. Inheritance: Autosomal recessive inheritance. Affected: yes. Observed: 1 compound heterozygote.
Comment: The c.503T>C variant has been identified in 0% by the Genome Aggregation Database (gnomAD). Substitution of the two variants occurs at a position that is conserved across species and in silico analysis predicts this variant is probably damaging to the protein structure/function. Our functional validation of point mutations by rescue experiment in EIF2B3-deficient zebrafish has suppported the pathogenecity of these variants. (It has not been published yet.) For these reasons, this variant has been classified as Likely pathogenic.